The following is an entry in ClinVar:

ClinVar aggregate classification (germline): Uncertain significance (1 of 4 stars; one submission).

Submission:

GeneDx
Classification: Uncertain significance. Last evaluated: 2025-01-28. Review status: criteria provided, single submitter. Criteria: GeneDx Variant Classification Process June 2021. Collection method: clinical testing. Allele origin: germline. Affected: yes.
Comment: Not observed in large population cohorts (gnomAD); In silico analysis supports that this missense variant has a deleterious effect on protein structure/function; Has not been previously published as pathogenic or benign to our knowledge

NM_015354.3(NUP188):c.1652A>T (p.His551Leu)

Gene: NUP188 (nucleoporin 188; plus strand). Cytogenetic location: 9q34.11.
Variant type: single nucleotide variant.
Coding change: c.1652A>T on transcript NM_015354.3 (MANE Select); coding-DNA position 1652, A replaced by T.
Protein change: p.His551Leu; replaces histidine 551 with leucine.
Molecular consequence: missense variant.
Genome position (GRCh38, 1-based): chr9:128,982,684, A>T. VCF-style: chr9-128982684-A-T. GRCh37 (hg19) VCF-style: chr9-131744963-A-T.
Other names: short protein forms H551L.
Identifiers: ClinVar variation 4072455 (VCV004072455.1).